The following is an entry in ClinVar:

NM_000574.5(CD55):c.17C>A (p.Pro6Gln)

Gene: CD55 (CD55 molecule (Cromer blood group); plus strand). Cytogenetic location: 1q32.2.
Variant type: single nucleotide variant.
Coding change: c.17C>A on transcript NM_000574.5 (MANE Select); coding-DNA position 17, C replaced by A.
Protein change: p.Pro6Gln; replaces proline 6 with glutamine.
Molecular consequence: missense variant. On other transcripts: non-coding transcript variant (1).
Genome position (GRCh38, 1-based): chr1:207,321,782, C>A. VCF-style: chr1-207321782-C-A. GRCh37 (hg19) VCF-style: chr1-207495127-C-A.
Other names: c.17C>A, p.Pro6Gln (NM_001114752.3, NM_001300902.2, NM_001300903.2 and 1 more transcripts); short protein forms P6Q.
Identifiers: ClinVar variation 1968280 (VCV001968280.4), dbSNP rs2526916654, ClinGen allele CA344514538.

ClinVar aggregate classification (germline): Uncertain significance (1 of 4 stars; one submission).

Submission:

Labcorp Genetics (formerly Invitae), Labcorp
Classification: Uncertain significance. Last evaluated: 2022-03-12. Review status: criteria provided, single submitter. Criteria: Invitae Variant Classification Sherloc (09022015). Collection method: clinical testing. Allele origin: germline.
Comment: Algorithms developed to predict the effect of missense changes on protein structure and function output the following: SIFT: "Tolerated"; PolyPhen-2: "Probably Damaging"; Align-GVGD: "Class C0". The glutamine amino acid residue is found in multiple mammalian species, which suggests that this missense change does not adversely affect protein function. Algorithms developed to predict the effect of sequence changes on RNA splicing suggest that this variant may create or strengthen a splice site. In summary, the available evidence is currently insufficient to determine the role of this variant in disease. Therefore, it has been classified as a Variant of Uncertain Significance. This variant has not been reported in the literature in individuals affected with CD55-related conditions. This sequence change replaces proline, which is neutral and non-polar, with glutamine, which is neutral and polar, at codon 6 of the CD55 protein (p.Pro6Gln). This variant is not present in population databases (gnomAD no frequency).